The following is an entry in ClinVar:

NM_002470.4(MYH3):c.736-2A>G

Gene: MYH3 (myosin heavy chain 3; minus strand). Cytogenetic location: 17p13.1.
Variant type: single nucleotide variant.
Coding change: c.736-2A>G on transcript NM_002470.4 (MANE Select); the canonical splice acceptor site of the intron before coding-DNA position 736, A replaced by G.
Molecular consequence: splice acceptor variant.
Genome position (GRCh38, 1-based): chr17:10,647,428, T>C on the plus strand (A>G on the coding strand, the complement: MYH3 is on the minus strand). VCF-style: chr17-10647428-T-C. GRCh37 (hg19) VCF-style: chr17-10550745-T-C.
Identifiers: ClinVar variation 1690682 (VCV001690682.2), dbSNP rs990374215, ClinGen allele CA287790670.

ClinVar aggregate classification (germline): Likely pathogenic (1 of 4 stars; one submission).

Allele frequency attached by ClinVar (database versions not stated): gnomAD exomes below 0.00001; TOPMed below 0.00001; gnomAD 0.00001.
gnomAD v4.1: 3 of 1,614,018 alleles (0.00019%); highest among the groups gnomAD compares: South Asian, 0.0011%; no homozygotes.

Submission:

Laboratorio de Genetica e Diagnostico Molecular, Hospital Israelita Albert Einstein
Classification: Likely pathogenic. Last evaluated: 2019-09-18. Review status: criteria provided, single submitter. Criteria: ACMG Guidelines, 2015. Collection method: clinical testing. Allele origin: germline. Affected: yes.
Comment: ACMG classification criteria: PVS1, PM2